The following is an entry in ClinVar:

ClinVar aggregate classification (germline): Uncertain significance (1 of 4 stars; one submission).

Conditions:
Charcot-Marie-Tooth disease type 2. Also called: Charcot-Marie-Tooth type 2. Identifiers: Orphanet 64746, MedGen C0270914, MONDO:0018993.

Allele frequency attached by ClinVar (database versions not stated): gnomAD exomes below 0.00001; ExAC 0.00001.
gnomAD v4.1: 1 of 1,614,124 alleles (0.000062%); highest among the groups gnomAD compares: East Asian, 0.0022%; no homozygotes.

Submission:

Labcorp Genetics (formerly Invitae), Labcorp
Classification: Uncertain significance for Charcot-Marie-Tooth disease type 2. Last evaluated: 2023-11-27. Review status: criteria provided, single submitter. Criteria: Invitae Variant Classification Sherloc (09022015). Collection method: clinical testing. Allele origin: germline.
Comment: This sequence change replaces alanine, which is neutral and non-polar, with threonine, which is neutral and polar, at codon 276 of the AARS protein (p.Ala276Thr). This variant is present in population databases (rs758401008, gnomAD 0.006%). This variant has not been reported in the literature in individuals affected with AARS-related conditions. Advanced modeling of protein sequence and biophysical properties (such as structural, functional, and spatial information, amino acid conservation, physicochemical variation, residue mobility, and thermodynamic stability) performed at Invitae indicates that this missense variant is not expected to disrupt AARS protein function with a negative predictive value of 95%. In summary, the available evidence is currently insufficient to determine the role of this variant in disease. Therefore, it has been classified as a Variant of Uncertain Significance.

NM_001605.3(AARS1):c.826G>A (p.Ala276Thr)

Gene: AARS1 (alanyl-tRNA synthetase 1; minus strand). Cytogenetic location: 16q22.1.
Variant type: single nucleotide variant.
Coding change: c.826G>A on transcript NM_001605.3 (MANE Select); coding-DNA position 826, G replaced by A.
Protein change: p.Ala276Thr; replaces alanine 276 with threonine.
Molecular consequence: missense variant.
Genome position (GRCh38, 1-based): chr16:70,269,754, C>T on the plus strand (G>A on the coding strand, the complement: AARS1 is on the minus strand). VCF-style: chr16-70269754-C-T. GRCh37 (hg19) VCF-style: chr16-70303657-C-T.
Other names: short protein forms A276T.
Identifiers: ClinVar variation 2722589 (VCV002722589.3), dbSNP rs758401008, ClinGen allele CA8141017.